The following is an entry in ClinVar:

NM_007194.4(CHEK2):c.319+43dup

Gene: CHEK2 (checkpoint kinase 2; minus strand). Cytogenetic location: 22q12.1.
Variant type: Duplication.
Coding change: c.319+43dup on transcript NM_007194.4 (MANE Select); 43 bases into the intron after coding-DNA position 319, one base duplicated (A; older notation c.319+43dupA).
Molecular consequence: intron variant.
Genome position (GRCh38, 1-based): chr22:28,734,360, T duplicated on the plus strand (A on the coding strand, the reverse complement: CHEK2 is on the minus strand); the first of 5 consecutive T bases (chr22:28,734,360-28,734,364); duplicating any one gives the same sequence. VCF-style (leftmost placement, unchanged base first): chr22-28734359-G-GT. GRCh37 (hg19) VCF-style: chr22-29130347-G-GT.
Other names: c.-345+7409dup (NM_001437942.1); c.319+43dup (NM_001349956.3, NM_145862.3, NM_001438295.1 and 3 more transcripts); c.-459+43dup (NM_001257387.3).
Identifiers: ClinVar variation 1167620 (VCV001167620.13), dbSNP rs3841692, ClinGen allele CA10168040.

ClinVar aggregate classification (germline): Benign. Review status: criteria provided, multiple submitters, no conflicts (2 of 4 stars). 4 submissions from 4 submitters: Benign (4). Last evaluated 2026-02-02.

Conditions:
Hereditary breast ovarian cancer syndrome. Also called: Hereditary breast and ovarian cancer syndrome (HBOC); Breast and ovarian cancer; BRCA1- and BRCA2-Associated Hereditary Breast and Ovarian Cancer; Hereditary breast and/or ovarian cancer syndrome; Hereditary breast and ovarian cancer; Hereditary breast and ovarian cancer syndrome. Identifiers: Orphanet 145, MedGen C0677776, MeSH D061325, MONDO:0003582. Disease mechanism: loss of function.
Hereditary cancer-predisposing syndrome. Also called: Hereditary Cancer Syndrome; Hereditary neoplastic syndrome; Neoplastic Syndromes, Hereditary; Tumor predisposition. Identifiers: Orphanet 140162, MedGen C0027672, MeSH D009386, MONDO:0015356.
Familial cancer of breast. Also called: BREAST CANCER, FAMILIAL; hereditary breast carcinoma; Hereditary breast cancer. Identifiers: Orphanet 227535, MedGen C0346153, MONDO:0016419, OMIM 114480. Disease mechanism: loss of function.

Submissions (4):

Labcorp Genetics (formerly Invitae), Labcorp
Classification: Benign for Familial cancer of breast. Last evaluated: 2026-02-02. Review status: criteria provided, single submitter. Criteria: Invitae Variant Classification Sherloc (09022015). Collection method: clinical testing. Allele origin: germline.

GeneKor MSA
Classification: Benign for Hereditary cancer-predisposing syndrome. Last evaluated: 2025-07-10. Review status: criteria provided, single submitter. Criteria: ACMG Guidelines, 2015. Collection method: clinical testing. Allele origin: germline.

National Health Laboratory Service, Universitas Academic Hospital and University of the Free State
Classification: Benign for Hereditary breast ovarian cancer syndrome. Last evaluated: 2022-04-19. Review status: criteria provided, single submitter. Criteria: ACMG Guidelines, 2015. Collection method: clinical testing. Allele origin: germline. Affected: yes. Observed: 70 variant alleles.

GeneDx
Classification: Benign. Last evaluated: 2018-06-23. Review status: criteria provided, single submitter. Criteria: GeneDx Variant Classification Process June 2021. Collection method: clinical testing. Allele origin: germline. Affected: yes.
Comment: This variant is associated with the following publications: (PMID: 26506619)